The following is an entry in ClinVar:

ClinVar aggregate classification (germline): Uncertain significance (1 of 4 stars; one submission).

Conditions:
Hereditary cancer-predisposing syndrome. Also called: Neoplastic Syndromes, Hereditary; Tumor predisposition; Hereditary Cancer Syndrome; Hereditary neoplastic syndrome. Identifiers: Orphanet 140162, MedGen C0027672, MeSH D009386, MONDO:0015356.

Submission:

Ambry Genetics
Classification: Uncertain significance for Hereditary cancer-predisposing syndrome. Last evaluated: 2026-06-09. Review status: criteria provided, single submitter. Criteria: Ambry Variant Classification Scheme 2023. Collection method: clinical testing. Allele origin: germline.
Comment: The c.225G>C variant (also known as p.E75D), located in coding exon 2 of the TSC2 gene, results from a G to C substitution at nucleotide position 225. The amino acid change results in glutamic acid to aspartic acid at codon 75, an amino acid with highly similar properties. However, this change occurs in the last base pair of coding exon 2, which makes it likely to have some effect on normal mRNA splicing. This nucleotide position is well conserved in available vertebrate species. This amino acid position is highly conserved in available vertebrate species. In silico splice site analysis predicts that this alteration may result in the creation or strengthening of a novel splice donor site. In addition, as a missense substitution this is predicted to be tolerated by in silico analysis. Based on the available evidence, the clinical significance of this variant remains unclear.

NM_000548.5(TSC2):c.225G>C (p.Glu75Asp)

Gene: TSC2 (TSC complex subunit 2; plus strand). Cytogenetic location: 16p13.3.
Variant type: single nucleotide variant.
Coding change: c.225G>C on transcript NM_000548.5 (MANE Select); coding-DNA position 225, G replaced by C.
Protein change: p.Glu75Asp; replaces glutamic acid 75 with aspartic acid.
Molecular consequence: missense variant. On other transcripts: 5 prime UTR variant (20), non-coding transcript variant (5).
Genome position (GRCh38, 1-based): chr16:2,050,486, G>C. VCF-style: chr16-2050486-G-C. GRCh37 (hg19) VCF-style: chr16-2100487-G-C.
Other names: c.225G>C, p.Glu75Asp (NM_001077183.3, NM_001114382.3, NM_001318827.2 and 13 more transcripts); c.78G>C, p.Glu26Asp (NM_001318829.2, NM_001406675.1, NM_001406676.1 and 2 more transcripts); c.-2G>C (NM_001318831.2, NM_001406682.1, NM_001406684.1 and 3 more transcripts); c.258G>C, p.Glu86Asp (NM_001318832.2); c.-592G>C (NM_001406680.1, NM_001406683.1, NM_001406687.1); c.-221G>C (NM_001406681.1); c.-1207G>C (NM_001406689.1, NM_001406690.1, NM_001406691.1 and 2 more transcripts); c.-1513G>C (NM_001406693.1); and 3 more; short protein forms E26D, E75D, E86D.
Identifiers: ClinVar variation 4866135 (VCV004866135.1).
Genomic context (GRCh38, chr16:2,050,486, plus strand): 5'-CAATCGCATCCGGATGATAGGGCAGATTTGTGAAGTCGCAAAAACCAAGAAATTTGAAGA[G>C]GTAGGTTTATCCAGTTGAGCTACTAGAGAGAGGCACGTAGACTATTCAGAGCCTGAGTTT-3'
Protein context (NP_000539.2, residues 65-85): CEVAKTKKFE[Glu75Asp]HAVEALWKAV